The following is an entry in ClinVar:

NM_021620.4(PRDM13):c.1132_1133insAGC (p.Pro377_Pro378insGln)

Genes: PRDM13 (PR/SET domain 13; plus strand), LOC129996881 (ATAC-STARR-seq lymphoblastoid silent region 17422; plus strand). Cytogenetic location: 6q16.2.
Variant type: Insertion.
Coding change: c.1132_1133insAGC on transcript NM_021620.4 (MANE Select); coding-DNA positions 1132 to 1133, AGC inserted.
Protein change: p.Pro377_Pro378insGln.
Genome position: GRCh38 VCF-style: chr6-99613765-C-CGCA. GRCh37 (hg19) VCF-style: chr6-100061641-C-CGCA.
Identifiers: ClinVar variation 3696724 (VCV003696724.2).

ClinVar aggregate classification (germline): Uncertain significance (1 of 4 stars; one submission).

Submission:

Labcorp Genetics (formerly Invitae), Labcorp
Classification: Uncertain significance. Last evaluated: 2024-05-06. Review status: criteria provided, single submitter. Criteria: Invitae Variant Classification Sherloc (09022015). Collection method: clinical testing. Allele origin: germline.
Comment: This variant, c.1132_1133insAGC, results in the insertion of 1 amino acid(s) of the PRDM13 protein (p.Pro377_Pro378insGln), but otherwise preserves the integrity of the reading frame. This variant is not present in population databases (gnomAD no frequency). This variant has not been reported in the literature in individuals affected with PRDM13-related conditions. In summary, the available evidence is currently insufficient to determine the role of this variant in disease. Therefore, it has been classified as a Variant of Uncertain Significance.